The following is an entry in ClinVar:

ClinVar aggregate classification (germline): Likely pathogenic (1 of 4 stars; one submission).

Conditions:
Cohen syndrome (COH1). Also called: PEPPER SYNDROME; Cutis verticis gyrata, retinitis pigmentosa, and sensorineural deafness. Identifiers: Orphanet 193, MedGen C0265223, MONDO:0008999, OMIM 216550.

Submission:

Labcorp Genetics (formerly Invitae), Labcorp
Classification: Likely pathogenic for Cohen syndrome. Last evaluated: 2021-01-26. Review status: criteria provided, single submitter. Criteria: Invitae Variant Classification Sherloc (09022015). Collection method: clinical testing. Allele origin: germline.
Comment: In summary, the currently available evidence indicates that the variant is pathogenic, but additional data are needed to prove that conclusively. Therefore, this variant has been classified as Likely Pathogenic. Algorithms developed to predict the effect of sequence changes on RNA splicing suggest that this variant may disrupt the consensus splice site, but this prediction has not been confirmed by published transcriptional studies. This variant has not been reported in the literature in individuals with VPS13B-related conditions. This variant is not present in population databases (ExAC no frequency). This sequence change affects an acceptor splice site in intron 27 of the VPS13B gene. It is expected to disrupt RNA splicing. Variants that disrupt the donor or acceptor splice site typically lead to a loss of protein function (PMID: 16199547), and loss-of-function variants in VPS13B are known to be pathogenic (PMID: 15141358, 16648375, 20461111).

Literature cited by the submitters: PubMed 16199547; PubMed 15141358; PubMed 16648375; PubMed 20461111.

NM_017890.5(VPS13B):c.4158-2A>G

Gene: VPS13B (vacuolar protein sorting 13 homolog B; plus strand). Cytogenetic location: 8q22.2.
Variant type: single nucleotide variant.
Coding change: c.4158-2A>G on transcript NM_017890.5 (MANE Plus Clinical); the canonical splice acceptor site of the intron before coding-DNA position 4158, A replaced by G.
Molecular consequence: splice acceptor variant. On other transcripts: intron variant (1).
Genome position (GRCh38, 1-based): chr8:99,507,768, A>G. VCF-style: chr8-99507768-A-G. GRCh37 (hg19) VCF-style: chr8-100519996-A-G.
Other names: c.4224+565A>G (NM_152564.5).
Identifiers: ClinVar variation 1486434 (VCV001486434.8), dbSNP rs2133626470, ClinGen allele CA371870454.